The following is an entry in ClinVar:

ClinVar aggregate classification (germline): Pathogenic/Likely pathogenic. Review status: criteria provided, multiple submitters, no conflicts (2 of 4 stars). 5 submissions from 5 submitters: Pathogenic (1); Likely pathogenic (4). Last evaluated 2025-03-31.

Conditions:
Joubert syndrome 30. Identifiers: MedGen C4539937, MONDO:0033308, OMIM 617622.

Allele frequency attached by ClinVar (database versions not stated): ExAC 0.00001; gnomAD 0.00001; gnomAD exomes 0.00001; TOPMed 0.00001.
gnomAD v4.1: 21 of 1,611,972 alleles (0.0013%); highest among the groups gnomAD compares: Admixed American, 0.0033%; no homozygotes.

Submissions (5):

Labcorp Genetics (formerly Invitae), Labcorp
Classification: Pathogenic. Last evaluated: 2025-03-31. Review status: criteria provided, single submitter. Criteria: Invitae Variant Classification Sherloc (09022015). Collection method: clinical testing. Allele origin: germline.
Comment: This sequence change affects codon 293 of the ARMC9 mRNA. It is a 'silent' change, meaning that it does not change the encoded amino acid sequence of the ARMC9 protein. RNA analysis indicates that this variant induces altered splicing and likely results in a shortened protein product. This variant is present in population databases (rs766572502, gnomAD 0.01%). This variant has been observed in individual(s) with ARMC9-related conditions (PMID: 29159890). It has also been observed to segregate with disease in related individuals. ClinVar contains an entry for this variant (Variation ID: 522606). Variants that disrupt the consensus splice site are a relatively common cause of aberrant splicing (PMID: 17576681, 9536098). Studies have shown that this variant results in skipping of exon 9, but is expected to preserve the integrity of the reading-frame (PMID: 29159890). For these reasons, this variant has been classified as Pathogenic.

Institute of Medical Genetics and Applied Genomics, University Hospital Tübingen
Classification: Likely pathogenic for Joubert syndrome 30. Last evaluated: 2024-10-22. Review status: criteria provided, single submitter. Criteria: ACMG Guidelines, 2015. Collection method: clinical testing. Allele origin: germline. Inheritance: Autosomal recessive inheritance. Affected: yes.

Broad Center for Mendelian Genomics, Broad Institute of MIT and Harvard
Classification: Likely pathogenic for Joubert syndrome 30. Last evaluated: 2024-03-12. Review status: criteria provided, single submitter. Criteria: ACMG Guidelines, 2015. Collection method: curation. Allele origin: germline. Inheritance: Autosomal recessive inheritance.
Comment: The homozygous p.Thr293= variant in ARMC9 was identified by our study in two siblings with congenital fibrosis of the extraocular muscles, global developmental delay, situs inversus, and ciliary dyskinesia and in one unrelated individual with congenital fibrosis of the extraocular muscles and global developmental delay, via a collaborative study between the Broad Institute's Center for Mendelian Genomics and the Engle lab. The p.Thr293= variant in ARMC9 has been previously reported in two unrelated individuals with Joubert syndrome 30 (PMID: 29159890, PMID: 34716235) and segregated with disease in 3 affected relatives in one family (PMID: 29159890) but has been identified in 0.01% (1/10012) of Ashkenazi Jewish chromosomes by the Genome Aggregation Database (gnomAD; dbSNP ID: rs766572502). Although this variant has been seen in the general population in a heterozygous state, its frequency is low enough to be consistent with a recessive carrier frequency. These affected individuals and the three affected individuals identified by our study were homozygotes, which increases the likelihood that the p.Thr293= variant is pathogenic. This variant has also been reported in ClinVar (Variation ID: 522606) and has been interpreted as pathogenic by Invitae and as likely pathogenic by Centre For DNA Fingerprinting and Diagnostics Diagnostics Division. In vitro assays provide some evidence that the p.Thr293= variant may slightly impact protein function (PMID: 29159890). However, these types of assays may not accurately represent biological function. Computational prediction tools and conservation analyses suggest that this variant may impact the protein, though this information is not predictive enough to determine pathogenicity. In summary, although additional studies are required to fully establish its clinical significance, this variant is likely pathogenic for autosomal recessive Joubert syndrome 30. ACMG/AMP Criteria applied: PS3_Supporting, PM2_Supporting, PM3, PP1, PP3 (Richards 2015).

GeneDx
Classification: Likely pathogenic. Last evaluated: 2023-07-24. Review status: criteria provided, single submitter. Criteria: GeneDx Variant Classification Process June 2021. Collection method: clinical testing. Allele origin: germline. Affected: yes.
Comment: Published functional studies suggest a damaging effect (Kar et al., 2018); Not observed at significant frequency in large population cohorts (gnomAD); Alters the last nucleotide of the exon and is predicted to destroy the splice donor site and result in aberrant splicing, although in the absence of functional evidence the actual effect of this sequence change is unknown; This variant is associated with the following publications: (PMID: 36307006, 29159890, 34716235)

Diagnostics Division, CENTRE FOR DNA FINGERPRINTING AND DIAGNOSTICS
Classification: Likely pathogenic for Joubert syndrome 30. Last evaluated: 2017-01-01. Review status: criteria provided, single submitter. Criteria: ACMG Guidelines, 2015. Collection method: research. Allele origin: germline. Affected: yes. Observed: 1 homozygote.
Comment: Splice-site variant

Literature cited by the submitters: PubMed 29159890 (cited by Labcorp Genetics (formerly Invitae), Labcorp and Diagnostics Division, CENTRE FOR DNA FINGERPRINTING AND DIAGNOSTICS); PubMed 17576681 (cited by Labcorp Genetics (formerly Invitae), Labcorp); PubMed 9536098 (cited by Labcorp Genetics (formerly Invitae), Labcorp); PubMed 39033378 (cited by Broad Center for Mendelian Genomics, Broad Institute of MIT and Harvard).

NM_001352754.2(ARMC9):c.879G>A (p.Thr293=)

Gene: ARMC9 (armadillo repeat containing 9; plus strand). Cytogenetic location: 2q37.1.
Variant type: single nucleotide variant.
Coding change: c.879G>A on transcript NM_001352754.2 (MANE Select); coding-DNA position 879, G replaced by A.
Protein change: p.Thr293=; no amino-acid change (threonine 293 retained).
Molecular consequence: synonymous variant. On other transcripts: non-coding transcript variant (1), intron variant (2).
Genome position (GRCh38, 1-based): chr2:231,240,041, G>A. VCF-style: chr2-231240041-G-A. GRCh37 (hg19) VCF-style: chr2-232104754-G-A.
Other names: NM_001352754.2(ARMC9):c.879G>A; p.Thr293=; c.879G>A, p.Thr293= (NM_001271466.4, NM_001291656.2, NM_001352755.2 and 3 more transcripts); c.780+4660G>A (NM_001352757.2, NM_001352758.2).
Identifiers: ClinVar variation 522606 (VCV000522606.12), dbSNP rs766572502, ClinGen allele CA2160077.